The following is an entry in ClinVar:

ClinVar aggregate classification (germline): Benign/Likely benign. Review status: criteria provided, multiple submitters, no conflicts (2 of 4 stars). 12 submissions from 11 submitters: Benign (10); Likely benign (1). 1 of the submissions does not count toward it. Last evaluated 2026-08-01.

Conditions:
Glycogen storage disease IV, classic hepatic. Also called: GSD IV, CLASSIC HEPATIC. Identifiers: MedGen C1856301.
Glycogen storage disease, type IV (GSD4). Also called: Glycogen storage disease due to glycogen branching enzyme deficiency; AMYLOPECTINOSIS; ANDERSEN DISEASE; BRANCHER DEFICIENCY; CIRRHOSIS, FAMILIAL, WITH DEPOSITION OF ABNORMAL GLYCOGEN; GBE1 DEFICIENCY. Identifiers: Orphanet 367, MedGen C0017923, MONDO:0009292, OMIM 232500.
Adult polyglucosan body disease (APBN). Also called: POLYGLUCOSAN BODY DISEASE, ADULT FORM; GBE1-Adult Polyglucosan Body Disease. Identifiers: Orphanet 206583, MedGen C1849722, MONDO:0009897, OMIM 263570.

Allele frequency attached by ClinVar (database versions not stated): 1000 Genomes Project 0.00260; 1000 Genomes Project 30x 0.00281; gnomAD 0.00592 and 0.00604; TOPMed 0.00605; ESP Exome Variant Server 0.00643; gnomAD exomes 0.00751 and 0.00855; ExAC 0.00972.
gnomAD v4.1: 12,995 of 1,571,730 alleles (0.83%); highest among the groups gnomAD compares: Admixed American, 1.4%; 66 homozygotes.

Submissions (12):

CeGaT Center for Human Genetics Tuebingen
Classification: Benign. Last evaluated: 2026-08-01. Review status: criteria provided, single submitter. Criteria: CeGaT Center For Human Genetics Tuebingen Variant Classification Criteria Version 2. Collection method: clinical testing. Allele origin: germline. Affected: yes. Observed: 52 variant alleles.
Comment: GBE1: BS1, BS2

Labcorp Genetics (formerly Invitae), Labcorp
Classification: Benign for Glycogen storage disease, type IV; Glycogen storage disease IV, classic hepatic. Last evaluated: 2026-02-04. Review status: criteria provided, single submitter. Criteria: Invitae Variant Classification Sherloc (09022015). Collection method: clinical testing. Allele origin: germline.

Mayo Clinic Laboratories, Mayo Clinic
Classification: Benign. Last evaluated: 2025-11-04. Review status: criteria provided, single submitter. Criteria: ACMG Guidelines, 2015. Collection method: clinical testing. Allele origin: germline. Observed: 58 variant alleles.
Comment: BS1, BS2

ARUP Laboratories, Molecular Genetics and Genomics, ARUP Laboratories
Classification: Benign. Last evaluated: 2025-06-27. Review status: criteria provided, single submitter. Criteria: ARUP Molecular Germline Variant Investigation Process 2024. Collection method: clinical testing. Allele origin: germline.

Blueprint Genetics
Classification: Likely benign. Last evaluated: 2024-11-26. Review status: criteria provided, single submitter. Criteria: ACMG Guidelines, 2015. Collection method: clinical testing. Allele origin: germline.

Illumina Laboratory Services, Illumina
Classification: Benign for Adult polyglucosan body disease. Last evaluated: 2018-01-13. Review status: criteria provided, single submitter. Criteria: ICSL Variant Classification Criteria 13 December 2019. Collection method: clinical testing. Allele origin: germline.
Comment: This variant was observed in the ICSL laboratory as part of a predisposition screen in an ostensibly healthy population. It had not been previously curated by ICSL or reported in the Human Gene Mutation Database (HGMD: prior to June 1st, 2018), and was therefore a candidate for classification through an automated scoring system. Utilizing variant allele frequency, disease prevalence and penetrance estimates, and inheritance mode, an automated score was calculated to assess if this variant is too frequent to cause the disease. Based on the score and internal cut-off values, a variant classified as benign is not then subjected to further curation. The score for this variant resulted in a classification of benign for this disease.

Illumina Laboratory Services, Illumina
Classification: Benign for Glycogen storage disease, type IV. Last evaluated: 2018-01-13. Review status: criteria provided, single submitter. Criteria: ICSL Variant Classification Criteria 13 December 2019. Collection method: clinical testing. Allele origin: germline.
Comment: the same text as in the submission from Illumina Laboratory Services, Illumina above.

GeneDx
Classification: Benign. Last evaluated: 2017-10-30. Review status: criteria provided, single submitter. Criteria: GeneDx Variant Classification (06012015). Collection method: clinical testing. Allele origin: germline. Affected: yes.
Comment: This variant is considered likely benign or benign based on one or more of the following criteria: it is a conservative change, it occurs at a poorly conserved position in the protein, it is predicted to be benign by multiple in silico algorithms, and/or has population frequency not consistent with disease.

Center for Pediatric Genomic Medicine, Children's Mercy Hospital and Clinics
Classification: Benign. Last evaluated: 2017-02-07. Review status: criteria provided, single submitter. Criteria: ACMG Guidelines, 2015. Collection method: clinical testing. Allele origin: germline.

Breakthrough Genomics
Classification: Benign. Review status: criteria provided, single submitter. Criteria: ACMG Guidelines, 2015. Collection method: not provided. Allele origin: germline. Inheritance: Autosomal recessive inheritance. Affected: yes.

PreventionGenetics, part of Exact Sciences
Classification: Benign. Review status: criteria provided, single submitter. Criteria: ACMG Guidelines, 2015. Collection method: clinical testing. Allele origin: germline.

Natera, Inc.
Classification: Likely benign for Glycogen storage disease type IV. Last evaluated: 2019-12-04. Review status: no assertion criteria provided. Collection method: clinical testing. Allele origin: germline. Not counted in ClinVar's aggregate classification.

NM_000158.4(GBE1):c.176T>C (p.Ile59Thr)

Gene: GBE1 (1,4-alpha-glucan branching enzyme 1; minus strand). Cytogenetic location: 3p12.2.
Variant type: single nucleotide variant.
Coding change: c.176T>C on transcript NM_000158.4 (MANE Select); coding-DNA position 176, T replaced by C.
Protein change: p.Ile59Thr; replaces isoleucine 59 with threonine.
Molecular consequence: missense variant.
Genome position (GRCh38, 1-based): chr3:81,705,581, A>G on the plus strand (T>C on the coding strand, the complement: GBE1 is on the minus strand). VCF-style: chr3-81705581-A-G. GRCh37 (hg19) VCF-style: chr3-81754732-A-G.
Other names: p.Ile59Thr; short protein forms I59T.
Identifiers: ClinVar variation 255386 (VCV000255386.64), dbSNP rs28763904, ClinGen allele CA2500041.